The following is an entry in ClinVar:

ClinVar aggregate classification (germline): Uncertain significance. Review status: criteria provided, multiple submitters, no conflicts (2 of 4 stars). 7 submissions from 7 submitters: Uncertain significance (7). Last evaluated 2026-04-14.

Conditions:
Hereditary cancer-predisposing syndrome. Also called: Neoplastic Syndromes, Hereditary; Hereditary Cancer Syndrome; Hereditary neoplastic syndrome; Tumor predisposition. Identifiers: Orphanet 140162, MedGen C0027672, MeSH D009386, MONDO:0015356.
Cardiovascular phenotype. Identifiers: MedGen CN230736.
Neurofibromatosis, type 1 (NF1). Also called: Peripheral type neurofibromatosis; Neurofibromatosis, type I; VON RECKLINGHAUSEN DISEASE; NEUROFIBROMATOSIS, TYPE I, SOMATIC. Identifiers: Orphanet 636, MedGen C0027831, MONDO:0018975, OMIM 162200. Disease mechanism: loss of function.

gnomAD v4.1: 2 of 1,614,182 alleles (0.00012%); highest among the groups gnomAD compares: Admixed American, 0.0017%; no homozygotes.

Submissions (7):

Dasa
Classification: Uncertain significance. Last evaluated: 2026-04-14. Review status: criteria provided, single submitter. Criteria: DASA Assertion Criteria. Collection method: clinical testing. Allele origin: germline.
Comment: NM_001042492.3(NF1):c.3625G>C (p.Val1209Leu) is a missense variant that results in the substitution of valine with leucine. This variant is rare in population databases. The currently available literature and clinical evidence are not sufficient to establish a definitive association between this variant and the reported condition. Therefore, this variant is classified as a variant of uncertain significance.

Ambry Genetics
Classification: Uncertain significance for Cardiovascular phenotype; Hereditary cancer-predisposing syndrome. Last evaluated: 2025-02-21. Review status: criteria provided, single submitter. Criteria: Ambry Variant Classification Scheme 2023. Collection method: clinical testing. Allele origin: germline.
Comment: The p.V1209L variant (also known as c.3625G>C), located in coding exon 27 of the NF1 gene, results from a G to C substitution at nucleotide position 3625. The valine at codon 1209 is replaced by leucine, an amino acid with highly similar properties. This variant was reported in individual(s) with breast cancer (de Oliveira JM et al. Eur J Hum Genet, 2022 Jul;30:818-823). This amino acid position is highly conserved in available vertebrate species. In addition, the in silico prediction for this alteration is inconclusive. Based on the available evidence, the clinical significance of this variant remains unclear.

Labcorp Genetics (formerly Invitae), Labcorp
Classification: Uncertain significance for Neurofibromatosis, type 1. Last evaluated: 2024-05-06. Review status: criteria provided, single submitter. Criteria: Invitae Variant Classification Sherloc (09022015). Collection method: clinical testing. Allele origin: germline.
Comment: This sequence change replaces valine, which is neutral and non-polar, with leucine, which is neutral and non-polar, at codon 1209 of the NF1 protein (p.Val1209Leu). This variant is not present in population databases (gnomAD no frequency). This variant has not been reported in the literature in individuals affected with NF1-related conditions. ClinVar contains an entry for this variant (Variation ID: 584930). Advanced modeling of protein sequence and biophysical properties (such as structural, functional, and spatial information, amino acid conservation, physicochemical variation, residue mobility, and thermodynamic stability) performed at Invitae indicates that this missense variant is expected to disrupt NF1 protein function with a positive predictive value of 95%. In summary, the available evidence is currently insufficient to determine the role of this variant in disease. Therefore, it has been classified as a Variant of Uncertain Significance.

Genome-Nilou Lab
Classification: Uncertain significance for Neurofibromatosis, type 1. Last evaluated: 2022-03-15. Review status: criteria provided, single submitter. Criteria: ACMG Guidelines, 2015. Collection method: clinical testing. Allele origin: germline. Affected: no.

Sema4
Classification: Uncertain significance for Hereditary cancer-predisposing syndrome. Last evaluated: 2021-04-22. Review status: criteria provided, single submitter. Criteria: Sema4 Curation Guidelines. Collection method: curation. Allele origin: germline.
Comment: The NF1 c.3625G>C (p.V1209L) variant has not been reported in the literature to our knowledge. It was not observed in the large and broad cohorts of the Genome Aggregation Database (PMID: 32461654), but has been reported in ClinVar (Variation ID 584930). Computational analyses and evolutionary conservation data do not provide strong support for or against an impact to the protein, however these predictions have not been confirmed by published functional studies. The evidence is insufficient to meet ACMG/AMP criteria for classifying the variant as benign or pathogenic. Thus, the clinical significance of this variant is currently uncertain.

GeneDx
Classification: Uncertain significance. Last evaluated: 2019-06-20. Review status: criteria provided, single submitter. Criteria: GeneDx Variant Classification Process June 2021. Collection method: clinical testing. Allele origin: germline. Affected: yes.
Comment: Not observed in large population cohorts (Lek et al., 2016); Has not been previously published as pathogenic or benign to our knowledge

Mendelics
Classification: Uncertain significance for Neurofibromatosis, type 1. Last evaluated: 2018-07-02. Review status: criteria provided, single submitter. Criteria: Mendelics Assertion Criteria 2017. Collection method: clinical testing. Allele origin: unknown.

Literature cited by the submitters: PubMed 35534704 (cited by Ambry Genetics).

NM_001042492.3(NF1):c.3625G>C (p.Val1209Leu)

Gene: NF1 (neurofibromin 1; plus strand). Cytogenetic location: 17q11.2.
Variant type: single nucleotide variant.
Coding change: c.3625G>C on transcript NM_001042492.3 (MANE Select); coding-DNA position 3625, G replaced by C.
Protein change: p.Val1209Leu; replaces valine 1209 with leucine.
Molecular consequence: missense variant.
Genome position (GRCh38, 1-based): chr17:31,233,130, G>C. VCF-style: chr17-31233130-G-C. GRCh37 (hg19) VCF-style: chr17-29560148-G-C.
Other names: c.3625G>C, p.Val1209Leu (NM_000267.4); short protein forms V1209L.
Identifiers: ClinVar variation 584930 (VCV000584930.15), dbSNP rs1458579232, ClinGen allele CA398990354.